The following is an entry in ClinVar:

NM_000038.6(APC):c.1831G>A (p.Gly611Ser)

Gene: APC (APC regulator of Wnt signaling pathway; plus strand). Cytogenetic location: 5q22.2.
Variant type: single nucleotide variant.
Coding change: c.1831G>A on transcript NM_000038.6 (MANE Select); coding-DNA position 1831, G replaced by A.
Protein change: p.Gly611Ser; replaces glycine 611 with serine.
Molecular consequence: missense variant.
Genome position (GRCh38, 1-based): chr5:112,835,038, G>A. VCF-style: chr5-112835038-G-A. GRCh37 (hg19) VCF-style: chr5-112170735-G-A.
Other names: c.1831G>A, p.Gly611Ser (NM_001127510.3, NM_001354895.2); c.1777G>A, p.Gly593Ser (NM_001127511.3); c.1885G>A, p.Gly629Ser (NM_001354896.2); c.1861G>A, p.Gly621Ser (NM_001354897.2); c.1756G>A, p.Gly586Ser (NM_001354898.2); c.1747G>A, p.Gly583Ser (NM_001354899.2); c.1708G>A, p.Gly570Ser (NM_001354900.2); c.1654G>A, p.Gly552Ser (NM_001354901.2); and 5 more; short protein forms G593S, G552S, G586S, G629S, G328S, G485S, G570S, G583S.
Identifiers: ClinVar variation 925241 (VCV000925241.15), dbSNP rs1764712331, ClinGen allele CA16025327.

ClinVar aggregate classification (germline): Uncertain significance. Review status: criteria provided, multiple submitters, no conflicts (2 of 4 stars). 2 submissions from 2 submitters: Uncertain significance (2). Last evaluated 2023-12-05.

Conditions:
Hereditary cancer-predisposing syndrome. Also called: Neoplastic Syndromes, Hereditary; Tumor predisposition; Hereditary Cancer Syndrome; Hereditary neoplastic syndrome. Identifiers: Orphanet 140162, MedGen C0027672, MeSH D009386, MONDO:0015356.
Familial adenomatous polyposis 1 (FAP1). Also called: FAMILIAL ADENOMATOUS POLYPOSIS 1, ATTENUATED; POLYPOSIS, ADENOMATOUS INTESTINAL. Identifiers: MedGen C2713442, MONDO:0021056, OMIM 175100. Disease mechanism: loss of function.

Submissions (2):

Color Diagnostics, LLC DBA Color Health
Classification: Uncertain significance for Hereditary cancer-predisposing syndrome. Last evaluated: 2023-12-05. Review status: criteria provided, single submitter. Criteria: ACMG Guidelines, 2015. Collection method: clinical testing. Allele origin: germline.
Comment: This missense variant replaces glycine with serine at codon 611 of the APC protein. Computational prediction tools and conservation analyses suggest that this variant may have deleterious impact on protein structure and function. Splice site prediction tools suggest that this variant may not impact RNA splicing. To our knowledge, functional studies have not been performed for this variant. This variant has not been reported in individuals affected with hereditary cancer in the literature. This variant has not been identified in the general population by the Genome Aggregation Database (gnomAD). The available evidence is insufficient to determine the role of this variant in disease conclusively. Therefore, this variant is classified as a Variant of Uncertain Significance.

Labcorp Genetics (formerly Invitae), Labcorp
Classification: Uncertain significance for Familial adenomatous polyposis 1. Last evaluated: 2020-03-17. Review status: criteria provided, single submitter. Criteria: Invitae Variant Classification Sherloc (09022015). Collection method: clinical testing. Allele origin: germline.
Comment: This variant has not been reported in the literature in individuals with APC-related conditions. Algorithms developed to predict the effect of missense changes on protein structure and function (SIFT, PolyPhen-2, Align-GVGD) all suggest that this variant is likely to be disruptive, but these predictions have not been confirmed by published functional studies and their clinical significance is uncertain. In summary, the available evidence is currently insufficient to determine the role of this variant in disease. Therefore, it has been classified as a Variant of Uncertain Significance. This variant is not present in population databases (ExAC no frequency). This sequence change replaces glycine with serine at codon 611 of the APC protein (p.Gly611Ser). The glycine residue is highly conserved and there is a small physicochemical difference between glycine and serine.